The following is an entry in ClinVar:

NM_001378452.1(ITPR1):c.2839C>T (p.Arg947Trp)

Gene: ITPR1 (inositol 1,4,5-trisphosphate receptor type 1; plus strand). Cytogenetic location: 3p26.1.
Variant type: single nucleotide variant.
Coding change: c.2839C>T on transcript NM_001378452.1 (MANE Select); coding-DNA position 2839, C replaced by T.
Protein change: p.Arg947Trp; replaces arginine 947 with tryptophan.
Molecular consequence: missense variant.
Genome position (GRCh38, 1-based): chr3:4,676,673, C>T. VCF-style: chr3-4676673-C-T. GRCh37 (hg19) VCF-style: chr3-4718357-C-T.
Other names: c.2812C>T, p.Arg938Trp (NM_001099952.4); c.2794C>T, p.Arg932Trp (NM_001168272.2); c.2767C>T, p.Arg923Trp (NM_002222.7); short protein forms R923W, R947W, R932W, R938W.
Identifiers: ClinVar variation 4746326 (VCV004746326.1).

ClinVar aggregate classification (germline): Uncertain significance (1 of 4 stars; one submission).

gnomAD v4.1: 4 of 1,613,656 alleles (0.00025%); highest among the groups gnomAD compares: South Asian, 0.0022%; no homozygotes.

Submission:

Labcorp Genetics (formerly Invitae), Labcorp
Classification: Uncertain significance. Last evaluated: 2025-05-01. Review status: criteria provided, single submitter. Criteria: Invitae Variant Classification Sherloc (09022015). Collection method: clinical testing. Allele origin: germline.
Comment: This sequence change replaces arginine, which is basic and polar, with tryptophan, which is neutral and slightly polar, at codon 923 of the ITPR1 protein (p.Arg923Trp). This variant is present in population databases (rs777634985, gnomAD 0.003%). This variant has not been reported in the literature in individuals affected with ITPR1-related conditions. Invitae Evidence Modeling of protein sequence and biophysical properties (such as structural, functional, and spatial information, amino acid conservation, physicochemical variation, residue mobility, and thermodynamic stability) indicates that this missense variant is not expected to disrupt ITPR1 protein function with a negative predictive value of 95%. In summary, the available evidence is currently insufficient to determine the role of this variant in disease. Therefore, it has been classified as a Variant of Uncertain Significance.